The following is an entry in ClinVar:

NM_021813.4(BACH2):c.1337A>G (p.His446Arg)

Gene: BACH2 (BACH transcriptional regulator 2; minus strand). Cytogenetic location: 6q15.
Variant type: single nucleotide variant.
Coding change: c.1337A>G on transcript NM_021813.4 (MANE Select); coding-DNA position 1337, A replaced by G.
Protein change: p.His446Arg; replaces histidine 446 with arginine.
Molecular consequence: missense variant.
Genome position (GRCh38, 1-based): chr6:89,950,769, T>C on the plus strand (A>G on the coding strand, the complement: BACH2 is on the minus strand). VCF-style: chr6-89950769-T-C. GRCh37 (hg19) VCF-style: chr6-90660488-T-C.
Other names: c.1337A>G, p.His446Arg (NM_001170794.2); c.1337A>G (NM_021813.3, NM_021813.2); short protein forms H446R.
Identifiers: ClinVar variation 1522997 (VCV001522997.9), dbSNP rs771648214, ClinGen allele CA3928002.

ClinVar aggregate classification (germline): Uncertain significance. Review status: criteria provided, multiple submitters, no conflicts (2 of 4 stars). 3 submissions from 3 submitters: Uncertain significance (3). Last evaluated 2025-11-26.

Conditions:
BACH2-related disorder. Also called: BACH2-related condition.

Allele frequency attached by ClinVar (database versions not stated): ExAC 0.00001; gnomAD 0.00001; gnomAD exomes 0.00001 and 0.00003; TOPMed 0.00001.

Submissions (3):

Labcorp Genetics (formerly Invitae), Labcorp
Classification: Uncertain significance. Last evaluated: 2025-11-26. Review status: criteria provided, single submitter. Criteria: Invitae Variant Classification Sherloc (09022015). Collection method: clinical testing. Allele origin: germline.
Comment: This sequence change replaces histidine, which is basic and polar, with arginine, which is basic and polar, at codon 446 of the BACH2 protein (p.His446Arg). This variant is present in population databases (rs771648214, gnomAD 0.02%). This variant has not been reported in the literature in individuals affected with BACH2-related conditions. ClinVar contains an entry for this variant (Variation ID: 1522997). Invitae Evidence Modeling of protein sequence and biophysical properties (such as structural, functional, and spatial information, amino acid conservation, physicochemical variation, residue mobility, and thermodynamic stability) indicates that this missense variant is not expected to disrupt BACH2 protein function with a negative predictive value of 80%. In summary, the available evidence is currently insufficient to determine the role of this variant in disease. Therefore, it has been classified as a Variant of Uncertain Significance.

Ambry Genetics
Classification: Uncertain significance. Last evaluated: 2025-08-29. Review status: criteria provided, single submitter. Criteria: Ambry Variant Classification Scheme 2023. Collection method: clinical testing. Allele origin: germline.

PreventionGenetics, part of Exact Sciences
Classification: Uncertain significance for BACH2-related condition. Last evaluated: 2022-09-07. Review status: criteria provided, single submitter. Criteria: ACMG Guidelines, 2015. Collection method: clinical testing. Allele origin: germline.
Comment: The BACH2 c.1337A>G variant is predicted to result in the amino acid substitution p.His446Arg. To our knowledge, this variant has not been reported in the literature. This variant is reported in 0.020% of alleles in individuals of Latino descent in gnomAD. Although we suspect that this variant may be benign, at this time, the clinical significance of this variant is uncertain due to the absence of conclusive functional and genetic evidence.